The following is an entry in ClinVar:

ClinVar aggregate classification (germline): Likely pathogenic (1 of 4 stars; one submission).

Conditions:
Hyperinsulinemic hypoglycemia, familial, 1 (HHF1). Also called: HYPERINSULINISM, FAMILIAL, WITH PANCREATIC NESIDIOBLASTOSIS; HYPOGLYCEMIA, HYPERINSULINEMIC, OF INFANCY; NESIDIOBLASTOSIS OF PANCREAS; Persistent hyperinsulinemic hypoglycemia of infancy; Persistent Hyperinsulinemia Hypoglycemia of Infancy. Identifiers: Orphanet 276575, Orphanet 276598, MedGen C2931832, MONDO:0009734, OMIM 256450.

Submission:

Myriad Genetics, Inc.
Classification: Likely pathogenic for Hyperinsulinemic hypoglycemia, familial, 1. Last evaluated: 2022-02-28. Review status: criteria provided, single submitter. Criteria: Myriad Women's Health Autosomal Recessive and X-Linked Classification Criteria (2021). Collection method: clinical testing. Allele origin: unknown.
Comment: NM_000352.3(ABCC8):c.3733A>T(R1245*) is expected to be pathogenic in the context of familial hyperinsulinism, ABCC8-related. This variant is predicted to lead to an abnormal or absent protein product due to the creation of a premature termination codon in ABCC8, a gene where loss-of-function variants are known to be pathogenic. Please note: this variant was assessed in the context of healthy population screening.

NM_000352.6(ABCC8):c.3733A>T (p.Arg1245Ter)

Gene: ABCC8 (ATP binding cassette subfamily C member 8; minus strand). Cytogenetic location: 11p15.1.
Variant type: single nucleotide variant.
Coding change: c.3733A>T on transcript NM_000352.6 (MANE Select); coding-DNA position 3733, A replaced by T.
Protein change: p.Arg1245Ter; replaces arginine 1245 with a stop codon.
Molecular consequence: nonsense. On other transcripts: non-coding transcript variant (1).
Genome position (GRCh38, 1-based): chr11:17,398,359, T>A on the plus strand (A>T on the coding strand, the complement: ABCC8 is on the minus strand). VCF-style: chr11-17398359-T-A. GRCh37 (hg19) VCF-style: chr11-17419906-T-A.
Other names: c.3736A>T, p.Arg1246Ter (NM_001287174.3); c.3799A>T, p.Arg1267Ter (NM_001351295.2); c.3733A>T, p.Arg1245Ter (NM_001351296.2); c.3730A>T, p.Arg1244Ter (NM_001351297.2); short protein forms R1244*, R1245*, R1246*, R1267*.
Identifiers: ClinVar variation 1724819 (VCV001724819.2), dbSNP rs2496475095, ClinGen allele CA379794069.